The following is an entry in ClinVar:

ClinVar aggregate classification (germline): Likely pathogenic (1 of 4 stars; one submission).

Conditions:
Acute infantile liver failure due to synthesis defect of mtDNA-encoded proteins. Also called: Liver failure acute infantile; LIVER FAILURE, INFANTILE, TRANSIENT; TRMU Deficiency. Identifiers: Orphanet 217371, MedGen C3278664, MONDO:0013111, OMIM 613070.

Submission:

Natera, Inc.
Classification: Likely pathogenic for Acute infantile liver failure due to synthesis defect of mtDNA-encoded proteins. Last evaluated: 2025-05-21. Review status: criteria provided, single submitter. Criteria: Natera Variant Classification Schema (03/2026). Collection method: clinical testing. Allele origin: germline.
Comment: The c.883dup variant in TRMU is a frameshift variant predicted to shift the reading frame beginning at codon 295 and leads to a stop codon 111 codons downstream. This variant is expected to result in nonsense mediated decay, truncation, or a dysfunctional protein product. This variant is rare in the general population with a frequency below the threshold expected for the associated phenotype(s). Given the available evidence, this variant is classified as Likely Pathogenic.

NM_018006.5(TRMU):c.883dup (p.Thr295fs)

Gene: TRMU (tRNA mitochondrial 2-thiouridylase; plus strand). Cytogenetic location: 22q13.31.
Variant type: Duplication.
Coding change: c.883dup on transcript NM_018006.5 (MANE Select); coding-DNA position 883, one base duplicated (A; older notation c.883dupA).
Protein change: p.Thr295fs; shifts the reading frame from threonine 295.
Molecular consequence: frameshift variant. On other transcripts: non-coding transcript variant (2).
Genome position (GRCh38, 1-based): chr22:46,355,453, A duplicated. VCF-style (leftmost placement, unchanged base first): chr22-46355452-G-GA. GRCh37 (hg19) VCF-style: chr22-46751349-G-GA.
Other names: c.541dup, p.Thr181fs (NM_001282782.2); c.463dup, p.Thr155fs (NM_001282783.2, NM_001282784.2); c.883dup, p.Thr295fs (NM_001282785.2); short protein forms T155fs, T181fs, T295fs.
Identifiers: ClinVar variation 4062376 (VCV004062376.2).